The following is an entry in ClinVar:

NM_152564.5(VPS13B):c.3807A>C (p.Ile1269=)

Gene: VPS13B (vacuolar protein sorting 13 homolog B; plus strand). Cytogenetic location: 8q22.2.
Variant type: single nucleotide variant.
Coding change: c.3807A>C on transcript NM_152564.5 (MANE Select); coding-DNA position 3807, A replaced by C.
Protein change: p.Ile1269=; no amino-acid change (isoleucine 1269 retained).
Molecular consequence: synonymous variant.
Genome position (GRCh38, 1-based): chr8:99,481,739, A>C. VCF-style: chr8-99481739-A-C. GRCh37 (hg19) VCF-style: chr8-100493967-A-C.
Other names: c.3807A>C, p.Ile1269= (NM_017890.5); c.3807A>C (NM_152564.4).
Identifiers: ClinVar variation 1121668 (VCV001121668.11), dbSNP rs745698032, ClinGen allele CA4823341.

ClinVar aggregate classification (germline): Likely benign. Review status: criteria provided, single submitter (1 of 4 stars). 2 submissions from 2 submitters: Likely benign (1). 1 of the submissions does not count toward it. Last evaluated 2026-01-11.

Conditions:
VPS13B-related disorder. Also called: VPS13B-related condition.
Cohen syndrome (COH1). Also called: Cutis verticis gyrata, retinitis pigmentosa, and sensorineural deafness; PEPPER SYNDROME. Identifiers: Orphanet 193, MedGen C0265223, MONDO:0008999, OMIM 216550.

Allele frequency attached by ClinVar (database versions not stated): TOPMed below 0.00001; ExAC 0.00001; gnomAD 0.00001; gnomAD exomes 0.00001.
gnomAD v4.1: 4 of 1,613,906 alleles (0.00025%); highest among the groups gnomAD compares: Admixed American, 0.0067%; no homozygotes.

Submissions (2):

Labcorp Genetics (formerly Invitae), Labcorp
Classification: Likely benign for Cohen syndrome. Last evaluated: 2026-01-11. Review status: criteria provided, single submitter. Criteria: Invitae Variant Classification Sherloc (09022015). Collection method: clinical testing. Allele origin: germline.

PreventionGenetics, part of Exact Sciences
Classification: Likely benign for VPS13B-related condition. Last evaluated: 2022-08-18. Review status: no assertion criteria provided. Collection method: clinical testing. Allele origin: germline. Not counted in ClinVar's aggregate classification.
Comment: This variant is classified as likely benign based on ACMG/AMP sequence variant interpretation guidelines (Richards et al. 2015 PMID: 25741868, with internal and published modifications).